The following is an entry in ClinVar:

NM_000051.4(ATM):c.8083G>T (p.Gly2695Cys)

Genes: C11orf65 (chromosome 11 open reading frame 65; minus strand), ATM (ATM serine/threonine kinase; plus strand). Cytogenetic location: 11q22.3.
Variant type: single nucleotide variant.
Coding change: c.8083G>T on transcript NM_000051.4 (MANE Select); coding-DNA position 8083, G replaced by T.
Protein change: p.Gly2695Cys; replaces glycine 2695 with cysteine.
Molecular consequence: missense variant. On other transcripts: intron variant (2).
Genome position (GRCh38, 1-based): chr11:108,335,041, G>T. VCF-style: chr11-108335041-G-T. GRCh37 (hg19) VCF-style: chr11-108205768-G-T.
Other names: c.8083G>T, p.Gly2695Cys (NM_001351834.2); c.641-25970C>A (NM_001330368.2); c.*38+179C>A (NM_001351110.2); short protein forms G2695C.
Identifiers: ClinVar variation 485233 (VCV000485233.15), dbSNP rs1555127166, ClinGen allele CA382562037.
Genomic context (GRCh38, chr11:108,335,041, plus strand): 5'-GGAGAATATGGAAATCTGGTGACTATACAGTCATTTAAAGCAGAATTTCGCTTAGCAGGA[G>T]GTGTAAATTTACCAAAAATAATAGATTGTGTAGGTTCCGATGGCAAGGAGAGGAGACAGC-3'
Protein context (NP_000042.3, residues 2685-2705): SFKAEFRLAG[Gly2695Cys]VNLPKIIDCV

ClinVar aggregate classification (germline): Uncertain significance. Review status: criteria provided, multiple submitters, no conflicts (2 of 4 stars). 3 submissions from 3 submitters: Uncertain significance (2). 1 of the submissions does not count toward it. Last evaluated 2025-02-22.

Conditions:
Hereditary cancer-predisposing syndrome. Also called: Neoplastic Syndromes, Hereditary; Hereditary Cancer Syndrome; Tumor predisposition; Hereditary neoplastic syndrome. Identifiers: Orphanet 140162, MedGen C0027672, MeSH D009386, MONDO:0015356.
Malignant tumor of breast. Also called: Malignant breast neoplasm; Cancer breast. Identifiers: MedGen C0006142, MONDO:0007254. Disease mechanism: loss of function.
Ataxia-telangiectasia syndrome (AT). Also called: LOUIS-BAR SYNDROME; Cerebello-oculocutaneous telangiectasia; Immunodeficiency with ataxia telangiectasia; Ataxia-telangiectasia, complementation group D; AT, COMPLEMENTATION GROUP C; Ataxia-telangiectasia, complementation group E. Identifiers: Orphanet 100, MedGen C0004135, MONDO:0008840, OMIM 208900.

Submissions (3):

Ambry Genetics
Classification: Uncertain significance for Hereditary cancer-predisposing syndrome. Last evaluated: 2025-02-22. Review status: criteria provided, single submitter. Criteria: Ambry Variant Classification Scheme 2023. Collection method: clinical testing. Allele origin: germline.
Comment: The p.G2695C variant (also known as c.8083G>T), located in coding exon 54 of the ATM gene, results from a G to T substitution at nucleotide position 8083. The glycine at codon 2695 is replaced by cysteine, an amino acid with highly dissimilar properties. This variant was also observed in 1/3251 individuals who met eligibility criteria for hereditary breast and ovarian cancer syndrome (Lerner-Ellis J et al. J Cancer Res Clin Oncol, 2021 Mar;147:871-879). This amino acid position is highly conserved in available vertebrate species. In addition, this alteration is predicted to be deleterious by in silico analysis. Since supporting evidence is limited at this time, the clinical significance of this alteration remains unclear.

Labcorp Genetics (formerly Invitae), Labcorp
Classification: Uncertain significance for Ataxia-telangiectasia syndrome. Last evaluated: 2022-09-06. Review status: criteria provided, single submitter. Criteria: Invitae Variant Classification Sherloc (09022015). Collection method: clinical testing. Allele origin: germline.
Comment: This sequence change replaces glycine, which is neutral and non-polar, with cysteine, which is neutral and slightly polar, at codon 2695 of the ATM protein (p.Gly2695Cys). In summary, the available evidence is currently insufficient to determine the role of this variant in disease. Therefore, it has been classified as a Variant of Uncertain Significance. Advanced modeling of protein sequence and biophysical properties (such as structural, functional, and spatial information, amino acid conservation, physicochemical variation, residue mobility, and thermodynamic stability) performed at Invitae indicates that this missense variant is expected to disrupt ATM protein function. ClinVar contains an entry for this variant (Variation ID: 485233). This variant has not been reported in the literature in individuals affected with ATM-related conditions. This variant is not present in population databases (gnomAD no frequency).

Department of Pathology and Laboratory Medicine, Sinai Health System
Classification: Uncertain significance for Malignant tumor of breast. Review status: no assertion criteria provided. Collection method: clinical testing. Allele origin: unknown. Affected: yes. Study: The Canadian Open Genetics Repository (COGR). Not counted in ClinVar's aggregate classification.
Comment: The ATM p.Gly2695Cys variant was not identified in the literature nor was it identified in the dbSNP, LOVD 3.0, the Exome Aggregation Consortium (August 8th 2016), or the Genome Aggregation Database (Feb 27, 2017). The variant was identified in ClinVar (classified as uncertain significance by Invitae and Ambry Genetics). The p.Gly2695 residue is conserved across mammals and other organisms, and computational analyses (PolyPhen-2, SIFT, AlignGVGD, BLOSUM, MutationTaster) suggest that the variant may impact the protein; however, this information is not predictive enough to assume pathogenicity. The variant occurs outside of the splicing consensus sequence and in silico or computational prediction software programs (SpliceSiteFinder, MaxEntScan, NNSPLICE, GeneSplicer) do not predict a difference in splicing. In summary, based on the above information the clinical significance of this variant cannot be determined with certainty at this time. This variant is classified as a variant of uncertain significance.

Literature cited by the submitters: PubMed 32885271 (cited by Ambry Genetics).